The following is an entry in ClinVar:

ClinVar aggregate classification (germline): Uncertain significance (1 of 4 stars; one submission).

gnomAD v4.1: 2 of 1,614,236 alleles (0.00012%); highest among the groups gnomAD compares: Admixed American, 0.0017%; no homozygotes.

Submission:

Labcorp Genetics (formerly Invitae), Labcorp
Classification: Uncertain significance. Last evaluated: 2022-11-14. Review status: criteria provided, single submitter. Criteria: Invitae Variant Classification Sherloc (09022015). Collection method: clinical testing. Allele origin: germline.
Comment: In summary, the available evidence is currently insufficient to determine the role of this variant in disease. Therefore, it has been classified as a Variant of Uncertain Significance. Algorithms developed to predict the effect of missense changes on protein structure and function are either unavailable or do not agree on the potential impact of this missense change (SIFT: "Deleterious"; PolyPhen-2: "Probably Damaging"; Align-GVGD: "Class C0"). This variant has not been reported in the literature in individuals affected with MICAL1-related conditions. This variant is not present in population databases (gnomAD no frequency). This sequence change replaces threonine, which is neutral and polar, with isoleucine, which is neutral and non-polar, at codon 260 of the MICAL1 protein (p.Thr260Ile).

NM_022765.4(MICAL1):c.722C>T (p.Thr241Ile)

Gene: MICAL1 (microtubule associated monooxygenase, calponin and LIM domain containing 1; minus strand). Cytogenetic location: 6q21.
Variant type: single nucleotide variant.
Coding change: c.722C>T on transcript NM_022765.4 (MANE Select); coding-DNA position 722, C replaced by T.
Protein change: p.Thr241Ile; replaces threonine 241 with isoleucine.
Molecular consequence: missense variant.
Genome position (GRCh38, 1-based): chr6:109,452,356, G>A on the plus strand (C>T on the coding strand, the complement: MICAL1 is on the minus strand). VCF-style: chr6-109452356-G-A. GRCh37 (hg19) VCF-style: chr6-109773559-G-A.
Other names: c.722C>T, p.Thr241Ile (NM_001159291.2); c.779C>T, p.Thr260Ile (NM_001286613.2); short protein forms T260I, T241I.
Identifiers: ClinVar variation 2974737 (VCV002974737.3), dbSNP rs1177630036, ClinGen allele CA365232701.